The following is an entry in ClinVar:

ClinVar aggregate classification (germline): Likely benign (1 of 4 stars; one submission).

Allele frequency attached by ClinVar (database versions not stated): TOPMed below 0.00001 and 0.00001; gnomAD 0.00001; gnomAD exomes below 0.00001.
gnomAD v4.1: 2 of 1,613,602 alleles (0.00012%); highest among the groups gnomAD compares: African/African-American, 0.0027%; no homozygotes.

Submission:

GeneDx
Classification: Likely benign. Last evaluated: 2017-10-18. Review status: criteria provided, single submitter. Criteria: GeneDx Variant Classification (06012015). Collection method: clinical testing. Allele origin: germline. Affected: yes.
Comment: This variant is considered likely benign or benign based on one or more of the following criteria: it is a conservative change, it occurs at a poorly conserved position in the protein, it is predicted to be benign by multiple in silico algorithms, and/or has population frequency not consistent with disease.

NM_170707.4(LMNA):c.639+12G>A

Gene: LMNA (lamin A/C; plus strand). Cytogenetic location: 1q22.
Variant type: single nucleotide variant.
Coding change: c.639+12G>A on transcript NM_170707.4 (MANE Select); 12 bases into the intron after coding-DNA position 639, G replaced by A.
Molecular consequence: intron variant.
Genome position (GRCh38, 1-based): chr1:156,134,540, G>A. VCF-style: chr1-156134540-G-A. GRCh37 (hg19) VCF-style: chr1-156104331-G-A.
Other names: c.639+12G>A (NM_001282625.2, NM_001282626.2, NM_170708.4 and 1 more transcripts); c.303+12G>A (NM_001257374.3); c.396+12G>A (NM_001282624.2).
Identifiers: ClinVar variation 512787 (VCV000512787.1), dbSNP rs1451785437, ClinGen allele CA526670807.